The following is an entry in ClinVar:

ClinVar aggregate classification (germline): Uncertain significance. Review status: criteria provided, multiple submitters, no conflicts (2 of 4 stars). 4 submissions from 4 submitters: Uncertain significance (4). Last evaluated 2023-05-16.

Conditions:
Inborn genetic diseases. Identifiers: MedGen C0950123, MeSH D030342.
Cobalamin C disease. Also called: Cobalamin-C methylmalonic acidemia and homocystinuria; Methylmalonic acidemia and homocystinuria cblC type; Methylmalonic aciduria with homocystinuria cblC type; Methylmalonic aciduria and homocystinuria, Vitamin B12-responsive; Vitamin B12 metabolic defect with combined deficiency of methylmalonyl-CoA mutase and homocysteine:methyltetrahydrofolate methyltransferase; methylmalonic aciduria and homocystinuria type cblC. Identifiers: Orphanet 26, Orphanet 79282, MedGen C1848561, MONDO:0010184, OMIM 277400.

Allele frequency attached by ClinVar (database versions not stated): TOPMed 0.00007; ESP Exome Variant Server 0.00024.
gnomAD v4.1: 266 of 1,614,058 alleles (0.016%); highest among the groups gnomAD compares: Non-Finnish European, 0.022%; no homozygotes.

Submissions (4):

Ambry Genetics
Classification: Uncertain significance for Inborn genetic diseases. Last evaluated: 2023-05-16. Review status: criteria provided, single submitter. Criteria: Ambry Variant Classification Scheme 2023. Collection method: clinical testing. Allele origin: germline.

Genome-Nilou Lab
Classification: Uncertain significance for Cobalamin C disease. Last evaluated: 2023-04-11. Review status: criteria provided, single submitter. Criteria: ACMG Guidelines, 2015. Collection method: clinical testing. Allele origin: germline. Affected: no.

Labcorp Genetics (formerly Invitae), Labcorp
Classification: Uncertain significance for Cobalamin C disease. Last evaluated: 2021-10-20. Review status: criteria provided, single submitter. Criteria: Invitae Variant Classification Sherloc (09022015). Collection method: clinical testing. Allele origin: germline.
Comment: This sequence change replaces threonine with asparagine at codon 47 of the MMACHC protein (p.Thr47Asn). The threonine residue is highly conserved and there is a small physicochemical difference between threonine and asparagine. This variant is present in population databases (rs200920274, ExAC 0.02%). This variant has not been reported in the literature in individuals with MMACHC-related conditions. Algorithms developed to predict the effect of missense changes on protein structure and function are either unavailable or do not agree on the potential impact of this missense change (SIFT: "Deleterious"; PolyPhen-2: "Probably Damaging"; Align-GVGD: "Class C0"). In summary, the available evidence is currently insufficient to determine the role of this variant in disease. Therefore, it has been classified as a Variant of Uncertain Significance.

Revvity Omics, Revvity
Classification: Uncertain significance for Cobalamin C disease. Last evaluated: 2020-03-07. Review status: criteria provided, single submitter. Criteria: ACMG Guidelines, 2015. Collection method: clinical testing. Allele origin: germline.

NM_015506.3(MMACHC):c.140C>A (p.Thr47Asn)

Gene: MMACHC (metabolism of cobalamin associated C; plus strand). Cytogenetic location: 1p34.1.
Variant type: single nucleotide variant.
Coding change: c.140C>A on transcript NM_015506.3 (MANE Select); coding-DNA position 140, C replaced by A.
Protein change: p.Thr47Asn; replaces threonine 47 with asparagine.
Molecular consequence: missense variant. On other transcripts: 5 prime UTR variant (1).
Genome position (GRCh38, 1-based): chr1:45,507,414, C>A. VCF-style: chr1-45507414-C-A. GRCh37 (hg19) VCF-style: chr1-45973086-C-A.
Other names: c.-32C>A (NM_001330540.2); c.140C>A (NM_015506.2); short protein forms T47N.
Identifiers: ClinVar variation 2195989 (VCV002195989.7), dbSNP rs200920274, ClinGen allele CA827648.